The following is an entry in ClinVar:

NM_000507.4(FBP1):c.567G>A (p.Pro189=)

Gene: FBP1 (fructose-bisphosphatase 1; minus strand). Cytogenetic location: 9q22.32.
Variant type: single nucleotide variant.
Coding change: c.567G>A on transcript NM_000507.4 (MANE Select); coding-DNA position 567, G replaced by A.
Protein change: p.Pro189=; no amino-acid change (proline 189 retained).
Molecular consequence: synonymous variant.
Genome position (GRCh38, 1-based): chr9:94,609,921, C>T on the plus strand (G>A on the coding strand, the complement: FBP1 is on the minus strand). VCF-style: chr9-94609921-C-T. GRCh37 (hg19) VCF-style: chr9-97372203-C-T.
Other names: p.Pro189=; c.567G>A, p.Pro189= (NM_001127628.2).
Identifiers: ClinVar variation 1384771 (VCV001384771.5), dbSNP rs376631329, ClinGen allele CA5136199.
Genomic context (GRCh38, chr9:94,609,921, plus strand): 5'-ATATCATTCATTTGCTCACAGACACCAGCCAAGCCCCCAGCCTCCTGTGAGGTCTCTCAC[C>T]GGGTCCAGCATGAAGCAGTTGACCCCACAGTCCATGGCAAGGACCAGCATGGTGGCACTG-3'
Protein context (NP_000498.2, residues 179-199): DCGVNCFMLD[Pro189=]AIGEFILVDK

ClinVar aggregate classification (germline): Uncertain significance. Review status: criteria provided, multiple submitters, no conflicts (2 of 4 stars). 2 submissions from 2 submitters: Uncertain significance (2). Last evaluated 2022-08-01.

Conditions:
Fructose-biphosphatase deficiency (FBP1D). Also called: Fructose 1,6 Bisphosphatase Deficiency; Fructose-1,6-Bisphosphatase 1 Deficiency; Fructose-1,6-Diphosphatase Deficiency. Identifiers: Orphanet 348, MedGen C0016756, MONDO:0009251, OMIM 229700.

Allele frequency attached by ClinVar (database versions not stated): gnomAD exomes below 0.00001; ExAC 0.00001; TOPMed 0.00002; gnomAD 0.00004; ESP Exome Variant Server 0.00008.
gnomAD v4.1: 18 of 1,613,928 alleles (0.0011%); highest among the groups gnomAD compares: African/African-American, 0.0027%; no homozygotes.

Submissions (3):

Mayo Clinic Laboratories, Mayo Clinic
Classification: Uncertain significance. Last evaluated: 2022-08-01. Review status: criteria provided, single submitter. Criteria: ACMG Guidelines, 2015. Collection method: clinical testing. Allele origin: germline. Observed: 1 variant allele.
Comment: PM2

Labcorp Genetics (formerly Invitae), Labcorp
Classification: Uncertain significance for Fructose-biphosphatase deficiency. Last evaluated: 2022-02-09. Review status: criteria provided, single submitter. Criteria: Invitae Variant Classification Sherloc (09022015). Collection method: clinical testing. Allele origin: germline.
Comment: This sequence change affects codon 189 of the FBP1 mRNA. It is a 'silent' change, meaning that it does not change the encoded amino acid sequence of the FBP1 protein. This variant also falls at the last nucleotide of exon 4, which is part of the consensus splice site for this exon. This variant is present in population databases (rs376631329, gnomAD 0.004%). This variant has not been reported in the literature in individuals affected with FBP1-related conditions. Variants that disrupt the consensus splice site are a relatively common cause of aberrant splicing (PMID: 17576681, 9536098). Algorithms developed to predict the effect of sequence changes on RNA splicing suggest that this variant may disrupt the consensus splice site. In summary, the available evidence is currently insufficient to determine the role of this variant in disease. Therefore, it has been classified as a Variant of Uncertain Significance.

Dr. Peter K. Rogan Lab, Western University
No classification provided (evidence only). Condition: Gastric cancer. Review status: no classification provided. Collection method: in vitro. Allele origin: not applicable. Functional consequence: retained intron. Not counted in ClinVar's aggregate classification.

Literature cited by the submitters: PubMed 17576681 (cited by Labcorp Genetics (formerly Invitae), Labcorp); PubMed 9536098 (cited by Labcorp Genetics (formerly Invitae), Labcorp).